The following is an entry in ClinVar:

NM_004239.4(TRIP11):c.1715A>G (p.Asn572Ser)

Gene: TRIP11 (thyroid hormone receptor interactor 11; minus strand). Cytogenetic location: 14q32.12.
Variant type: single nucleotide variant.
Coding change: c.1715A>G on transcript NM_004239.4 (MANE Select); coding-DNA position 1715, A replaced by G.
Protein change: p.Asn572Ser; replaces asparagine 572 with serine.
Molecular consequence: missense variant.
Genome position (GRCh38, 1-based): chr14:92,006,261, T>C on the plus strand (A>G on the coding strand, the complement: TRIP11 is on the minus strand). VCF-style: chr14-92006261-T-C. GRCh37 (hg19) VCF-style: chr14-92472605-T-C.
Other names: c.1712A>G, p.Asn571Ser (NM_001321851.1); short protein forms N571S, N572S.
Identifiers: ClinVar variation 886504 (VCV000886504.6), dbSNP rs201139951, ClinGen allele CA7313883.

ClinVar aggregate classification (germline): Uncertain significance. Review status: criteria provided, multiple submitters, no conflicts (2 of 4 stars). 2 submissions from 2 submitters: Uncertain significance (2). Last evaluated 2022-11-01.

Conditions:
Achondrogenesis, type IA (ACG1A). Identifiers: Orphanet 932, Orphanet 93299, MedGen C0265273, MONDO:0008701, OMIM 200600.

Allele frequency attached by ClinVar (database versions not stated): gnomAD 0.00004 and 0.00005; ExAC 0.00005; gnomAD exomes 0.00005 and 0.00008; TOPMed 0.00006; ESP Exome Variant Server 0.00008.

Submissions (2):

Labcorp Genetics (formerly Invitae), Labcorp
Classification: Uncertain significance for Achondrogenesis, type IA. Last evaluated: 2022-11-01. Review status: criteria provided, single submitter. Criteria: Invitae Variant Classification Sherloc (09022015). Collection method: clinical testing. Allele origin: germline.
Comment: ClinVar contains an entry for this variant (Variation ID: 886504). This variant has not been reported in the literature in individuals affected with TRIP11-related conditions. This variant is present in population databases (rs201139951, gnomAD 0.2%). This sequence change replaces asparagine, which is neutral and polar, with serine, which is neutral and polar, at codon 572 of the TRIP11 protein (p.Asn572Ser). Advanced modeling of protein sequence and biophysical properties (such as structural, functional, and spatial information, amino acid conservation, physicochemical variation, residue mobility, and thermodynamic stability) performed at Invitae indicates that this missense variant is not expected to disrupt TRIP11 protein function. In summary, the available evidence is currently insufficient to determine the role of this variant in disease. Therefore, it has been classified as a Variant of Uncertain Significance.

Illumina Laboratory Services, Illumina
Classification: Uncertain significance for Achondrogenesis, type IA. Last evaluated: 2018-01-13. Review status: criteria provided, single submitter. Criteria: ICSL Variant Classification Criteria 13 December 2019. Collection method: clinical testing. Allele origin: germline.